The following is an entry in ClinVar:

NM_014159.7(SETD2):c.5167_5169del (p.Met1723del)

Gene: SETD2 (SET domain containing 2, histone lysine methyltransferase; minus strand). Cytogenetic location: 3p21.31.
Variant type: Deletion.
Coding change: c.5167_5169del on transcript NM_014159.7 (MANE Select); coding-DNA positions 5167 to 5169, 3 bases deleted (ATG; older notation c.5167_5169delATG).
Protein change: p.Met1723del; deletes methionine 1723.
Molecular consequence: inframe indel (on NM_014159.6). On other transcripts: non-coding transcript variant (1).
Genome position (GRCh38, 1-based): chr3:47,088,221-47,088,223, CAT deleted on the plus strand (ATG on the coding strand, the reverse complement: SETD2 is on the minus strand); deleting any 3 consecutive bases within chr3:47,088,221-47,088,225 gives the same sequence; the c. name uses the placement nearest the transcript's 3' end. VCF-style (leftmost placement, unchanged base first): chr3-47088220-CCAT-C. GRCh37 (hg19) VCF-style: chr3-47129710-CCAT-C.
Other names: c.5035_5037del, p.Met1679del (NM_001349370.3); c.5165_5167delTGA, p.Met1723del (NM_014159.6); short protein forms M1723del, M1679del.
Identifiers: ClinVar variation 4795754 (VCV004795754.1).
Genomic context (GRCh38, chr3:47,088,220, plus strand): 5'-TAACCATTAGCCGGGATAAGCTGAGCACCTGGTTTTTATCAGAGAGACCCTCACCATTTT[CCAT>C]CAGAGCTTCTAGCTCTCCATCCACCTACCACAGCAAATAAAAATACCTTTTTATAAAACA-3'

ClinVar aggregate classification (germline): Uncertain significance (1 of 4 stars; one submission).

Submission:

GeneDx
Classification: Uncertain significance. Last evaluated: 2025-08-12. Review status: criteria provided, single submitter. Criteria: GeneDx Variant Classification Process June 2021. Collection method: clinical testing. Allele origin: germline. Affected: yes.
Comment: In-frame deletion of 1 amino acid in a non-repeat region; Not observed at significant frequency in large population cohorts (gnomAD); In silico analysis supports a deleterious effect on protein structure/function; Has not been previously published as pathogenic or benign to our knowledge